The following is an entry in ClinVar:

ClinVar aggregate classification (germline): Uncertain significance (1 of 4 stars; one submission).

Allele frequency attached by ClinVar (database versions not stated): ExAC 0.00035; 1000 Genomes Project 30x 0.00047; gnomAD 0.00049; TOPMed 0.00056; 1000 Genomes Project 0.00060; gnomAD exomes 0.00082.
gnomAD v4.1: 1,168 of 1,499,408 alleles (0.078%); highest among the groups gnomAD compares: Admixed American, 0.12%; no homozygotes.

Submission:

CeGaT Center for Human Genetics Tuebingen
Classification: Uncertain significance. Last evaluated: 2026-10-01. Review status: criteria provided, single submitter. Criteria: CeGaT Center For Human Genetics Tuebingen Variant Classification Criteria Version 2. Collection method: clinical testing. Allele origin: germline. Affected: yes. Observed: 2 variant alleles.
Comment: AOPEP: PM2, BP4

NM_001193329.3(AOPEP):c.1405G>A (p.Gly469Arg)

Gene: AOPEP (aminopeptidase O (putative); plus strand). Cytogenetic location: 9q22.32.
Variant type: single nucleotide variant.
Coding change: c.1405G>A on transcript NM_001193329.3 (MANE Select); coding-DNA position 1405, G replaced by A.
Protein change: p.Gly469Arg; replaces glycine 469 with arginine.
Molecular consequence: missense variant. On other transcripts: non-coding transcript variant (3), intron variant (4).
Genome position (GRCh38, 1-based): chr9:94,924,026, G>A. VCF-style: chr9-94924026-G-A. GRCh37 (hg19) VCF-style: chr9-97686308-G-A.
Other names: c.1405G>A, p.Gly469Arg (NM_001193331.3, NM_001386063.2, NM_001386066.1 and 7 more transcripts); c.1084G>A, p.Gly362Arg (NM_001386062.2); c.535G>A, p.Gly179Arg (NM_001386073.1); c.1365-31151G>A (NM_032823.6, NM_001386069.1); c.1365-55341G>A (NM_001386067.1); c.372-31151G>A (NM_001386061.1); short protein forms G179R, G362R, G469R.
Identifiers: ClinVar variation 2571334 (VCV002571334.27), dbSNP rs575733167, ClinGen allele CA5136772.